The following is an entry in ClinVar:

NM_017636.4(TRPM4):c.3443T>C (p.Leu1148Pro)

Gene: TRPM4 (transient receptor potential cation channel subfamily M member 4; plus strand). Cytogenetic location: 19q13.33.
Variant type: single nucleotide variant.
Coding change: c.3443T>C on transcript NM_017636.4 (MANE Select); coding-DNA position 3443, T replaced by C.
Protein change: p.Leu1148Pro; replaces leucine 1148 with proline.
Molecular consequence: missense variant.
Genome position (GRCh38, 1-based): chr19:49,210,824, T>C. VCF-style: chr19-49210824-T-C. GRCh37 (hg19) VCF-style: chr19-49714081-T-C.
Other names: c.3008T>C, p.Leu1003Pro (NM_001195227.2); c.3098T>C, p.Leu1033Pro (NM_001321281.2); c.1835T>C, p.Leu612Pro (NM_001321282.2); c.2921T>C, p.Leu974Pro (NM_001321283.2); c.2381T>C, p.Leu794Pro (NM_001321285.2); short protein forms L1003P, L1033P, L1148P, L612P, L794P, L974P.
Identifiers: ClinVar variation 1664056 (VCV001664056.12), dbSNP rs748665739, ClinGen allele CA9569904.

ClinVar aggregate classification (germline): Conflicting classifications of pathogenicity. Review status: criteria provided, conflicting classifications (1 of 4 stars). 4 submissions from 4 submitters: Uncertain significance (2); Likely benign (2). Last evaluated 2025-09-16.

Conditions:
Cardiovascular phenotype. Identifiers: MedGen CN230736.
Progressive familial heart block type IB (PFHB1B). Identifiers: Orphanet 871, MedGen C1970298, MONDO:0011474, OMIM 604559.

Allele frequency attached by ClinVar (database versions not stated): gnomAD 0.00003; TOPMed 0.00003; ExAC 0.00007; gnomAD exomes 0.00007.

Submissions (4):

Labcorp Genetics (formerly Invitae), Labcorp
Classification: Likely benign for Progressive familial heart block type IB. Last evaluated: 2025-09-16. Review status: criteria provided, single submitter. Criteria: Invitae Variant Classification Sherloc (09022015). Collection method: clinical testing. Allele origin: germline.

Ambry Genetics
Classification: Uncertain significance for Cardiovascular phenotype. Last evaluated: 2025-06-07. Review status: criteria provided, single submitter. Criteria: Ambry Variant Classification Scheme 2023. Collection method: clinical testing. Allele origin: germline.

Women's Health and Genetics/Laboratory Corporation of America, LabCorp
Classification: Likely benign. Last evaluated: 2024-12-17. Review status: criteria provided, single submitter. Criteria: LabCorp Variant Classification Summary - May 2015. Collection method: clinical testing. Allele origin: germline.

GeneDx
Classification: Uncertain significance. Last evaluated: 2022-10-06. Review status: criteria provided, single submitter. Criteria: GeneDx Variant Classification Process June 2021. Collection method: clinical testing. Allele origin: germline. Affected: yes.
Comment: In silico analysis supports that this missense variant has a deleterious effect on protein structure/function; Has not been previously published as pathogenic or benign to our knowledge